The following is an entry in ClinVar:

NM_001267052.2(UNC45B):c.973G>C (p.Asp325His)

Gene: UNC45B (unc-45 myosin chaperone B; plus strand). Cytogenetic location: 17q12.
Variant type: single nucleotide variant.
Coding change: c.973G>C on transcript NM_001267052.2 (MANE Select); coding-DNA position 973, G replaced by C.
Protein change: p.Asp325His; replaces aspartic acid 325 with histidine.
Molecular consequence: missense variant.
Genome position (GRCh38, 1-based): chr17:35,159,539, G>C. VCF-style: chr17-35159539-G-C. GRCh37 (hg19) VCF-style: chr17-33486558-G-C.
Other names: c.973G>C, p.Asp325His (NM_001033576.2, NM_001308281.1, NM_173167.3); short protein forms D325H.
Identifiers: ClinVar variation 4821648 (VCV004821648.4).

ClinVar aggregate classification (germline): Uncertain significance (1 of 4 stars; one submission).

gnomAD v4.1: 1 of 1,613,444 alleles (0.000062%); highest among the groups gnomAD compares: Non-Finnish European, 0.000085%; no homozygotes.

Submission:

CeGaT Center for Human Genetics Tuebingen
Classification: Uncertain significance. Last evaluated: 2026-02-01. Review status: criteria provided, single submitter. Criteria: CeGaT Center For Human Genetics Tuebingen Variant Classification Criteria Version 2. Collection method: clinical testing. Allele origin: germline. Affected: yes. Observed: 1 variant allele.
Comment: UNC45B: PM2